The following is an entry in ClinVar:

NM_017654.4(SAMD9):c.3563G>A (p.Arg1188Gln)

Gene: SAMD9 (sterile alpha motif domain containing 9; minus strand). Cytogenetic location: 7q21.2.
Variant type: single nucleotide variant.
Coding change: c.3563G>A on transcript NM_017654.4 (MANE Select); coding-DNA position 3563, G replaced by A.
Protein change: p.Arg1188Gln; replaces arginine 1188 with glutamine.
Molecular consequence: missense variant.
Genome position (GRCh38, 1-based): chr7:93,102,535, C>T on the plus strand (G>A on the coding strand, the complement: SAMD9 is on the minus strand). VCF-style: chr7-93102535-C-T. GRCh37 (hg19) VCF-style: chr7-92731848-C-T.
Other names: c.3563G>A, p.Arg1188Gln (NM_001193307.2); c.3563G>A (NM_017654.3); short protein forms R1188Q.
Identifiers: ClinVar variation 1988603 (VCV001988603.7), dbSNP rs368696956, ClinGen allele CA4342682.

ClinVar aggregate classification (germline): Uncertain significance. Review status: criteria provided, multiple submitters, no conflicts (2 of 4 stars). 5 submissions from 5 submitters: Uncertain significance (5). Last evaluated 2026-09-14.

Conditions:
Normophosphatemic familial tumoral calcinosis. Also called: CALCINOSIS, TUMORAL, WITH NORMOPHOSPHATEMIA. Identifiers: Orphanet 306658, Orphanet 53715, MedGen C1864861, MONDO:0012502, OMIM 610455.
SAMD9-related disorder. Also called: SAMD9-related condition.

Allele frequency attached by ClinVar (database versions not stated): gnomAD exomes 0.00002; gnomAD 0.00003; ExAC 0.00004; TOPMed 0.00005; ESP Exome Variant Server 0.00031.

Submissions (5):

PreventionGenetics, part of Exact Sciences
Classification: Uncertain significance for SAMD9-related condition. Last evaluated: 2026-09-14. Review status: criteria provided, single submitter. Criteria: ACMG Guidelines, 2015. Collection method: clinical testing. Allele origin: germline.
Comment: The SAMD9 c.3563G>A variant is predicted to result in the amino acid substitution p.Arg1188Gln. To our knowledge, this variant has not been reported in the literature in individuals with SAMD9-related disorders. In vitro characterization of the variant showed that in contrast to a SAMD9 pathogenic variant, this variant does not cause profound growth inhibition (Narumi et al. 2016. PubMed ID: 27182967). This variant is reported in 0.012% of alleles in individuals of African descent in gnomAD and is interpreted as uncertain in ClinVar (Variation ID: 1988603). A different amino acid change affecting this residue has been reported in a patient with a myelodysplastic syndrome (p.Arg1188Pro, Sahoo et al. 2021. PubMed ID: 34621053). At this time, the clinical significance of this variant is uncertain due to the absence of conclusive functional and genetic evidence.

Myriad Genetics, Inc.
Classification: Uncertain significance for Normophosphatemic familial tumoral calcinosis. Last evaluated: 2025-10-13. Review status: criteria provided, single submitter. Criteria: Myriad Autosomal Dominant, Autosomal Recessive and X-Linked Classification Criteria (2023). Collection method: clinical testing. Allele origin: unknown.
Comment: NM_017654.3(SAMD9):c.3563G>A(R1188Q) is a missense variant classified as a variant of uncertain significance in the context of normophosphatemic familial tumoral calcinosis. R1188Q has not been observed in cases with relevant disease. Relevant functional assessments of this variant are available in the literature (PMID: 27182967). R1188Q has been observed in referenced population frequency databases. In summary, there is insufficient evidence to classify NM_017654.3(SAMD9):c.3563G>A(R1188Q) as pathogenic or benign. Please note: this variant was assessed in the context of healthy population screening.

Labcorp Genetics (formerly Invitae), Labcorp
Classification: Uncertain significance. Last evaluated: 2025-09-16. Review status: criteria provided, single submitter. Criteria: Invitae Variant Classification Sherloc (09022015). Collection method: clinical testing. Allele origin: germline.
Comment: This sequence change replaces arginine, which is basic and polar, with glutamine, which is neutral and polar, at codon 1188 of the SAMD9 protein (p.Arg1188Gln). The frequency data for this variant in the population databases is considered unreliable, as metrics indicate poor data quality at this position in the gnomAD database. This variant has not been reported in the literature in individuals affected with SAMD9-related conditions. ClinVar contains an entry for this variant (Variation ID: 1988603). Invitae Evidence Modeling of protein sequence and biophysical properties (such as structural, functional, and spatial information, amino acid conservation, physicochemical variation, residue mobility, and thermodynamic stability) indicates that this missense variant is not expected to disrupt SAMD9 protein function with a negative predictive value of 95%. Experimental studies have shown that this missense change does not substantially affect SAMD9 function (PMID: 27182967). In summary, the available evidence is currently insufficient to determine the role of this variant in disease. Therefore, it has been classified as a Variant of Uncertain Significance.

Blueprint Genetics
Classification: Uncertain significance. Last evaluated: 2024-05-07. Review status: criteria provided, single submitter. Criteria: ACMG Guidelines, 2015. Collection method: clinical testing. Allele origin: germline.

GeneDx
Classification: Uncertain significance. Last evaluated: 2023-12-19. Review status: criteria provided, single submitter. Criteria: GeneDx Variant Classification Process June 2021. Collection method: clinical testing. Allele origin: germline. Affected: yes.
Comment: In silico analysis supports that this missense variant does not alter protein structure/function; Published functional studies suggest a neutral effect: demonstrates cell growth comparable to wild type (PMID: 27182967); This variant is associated with the following publications: (PMID: 27182967)

Literature cited by the submitters: PubMed 27182967 (cited by Myriad Genetics, Inc. and Labcorp Genetics (formerly Invitae), Labcorp).